The following is an entry in ClinVar:

NM_002439.5(MSH3):c.874G>C (p.Val292Leu)

Gene: MSH3 (mutS homolog 3; plus strand). Cytogenetic location: 5q14.1.
Variant type: single nucleotide variant.
Coding change: c.874G>C on transcript NM_002439.5 (MANE Select); coding-DNA position 874, G replaced by C.
Protein change: p.Val292Leu; replaces valine 292 with leucine.
Molecular consequence: missense variant.
Genome position (GRCh38, 1-based): chr5:80,672,325, G>C. VCF-style: chr5-80672325-G-C. GRCh37 (hg19) VCF-style: chr5-79968144-G-C.
Other names: short protein forms V292L.
Identifiers: ClinVar variation 642013 (VCV000642013.13), dbSNP rs1357719217, ClinGen allele CA360267229.

ClinVar aggregate classification (germline): Uncertain significance. Review status: criteria provided, multiple submitters, no conflicts (2 of 4 stars). 2 submissions from 2 submitters: Uncertain significance (2). Last evaluated 2024-08-01.

Conditions:
Hereditary cancer-predisposing syndrome. Also called: Neoplastic Syndromes, Hereditary; Tumor predisposition; Hereditary neoplastic syndrome; Hereditary Cancer Syndrome. Identifiers: Orphanet 140162, MedGen C0027672, MeSH D009386, MONDO:0015356.

Allele frequency attached by ClinVar (database versions not stated): TOPMed below 0.00001; gnomAD 0.00001; gnomAD exomes 0.00001.
gnomAD v4.1: 9 of 1,613,810 alleles (0.00056%); highest among the groups gnomAD compares: Non-Finnish European, 0.00076%; no homozygotes.

Submissions (2):

Labcorp Genetics (formerly Invitae), Labcorp
Classification: Uncertain significance. Last evaluated: 2024-08-01. Review status: criteria provided, single submitter. Criteria: Invitae Variant Classification Sherloc (09022015). Collection method: clinical testing. Allele origin: germline.
Comment: This sequence change replaces valine, which is neutral and non-polar, with leucine, which is neutral and non-polar, at codon 292 of the MSH3 protein (p.Val292Leu). This variant is not present in population databases (gnomAD no frequency). This variant has not been reported in the literature in individuals affected with MSH3-related conditions. ClinVar contains an entry for this variant (Variation ID: 642013). An algorithm developed to predict the effect of missense changes on protein structure and function (PolyPhen-2) suggests that this variant is likely to be disruptive. In summary, the available evidence is currently insufficient to determine the role of this variant in disease. Therefore, it has been classified as a Variant of Uncertain Significance.

Ambry Genetics
Classification: Uncertain significance for Hereditary cancer-predisposing syndrome. Last evaluated: 2019-06-09. Review status: criteria provided, single submitter. Criteria: Ambry Variant Classification Scheme 2023. Collection method: clinical testing. Allele origin: germline.
Comment: The p.V292L variant (also known as c.874G>C), located in coding exon 5 of the MSH3 gene, results from a G to C substitution at nucleotide position 874. The valine at codon 292 is replaced by leucine, an amino acid with highly similar properties. This amino acid position is highly conserved in available vertebrate species. In addition, the in silico prediction for this alteration is inconclusive. Since supporting evidence is limited at this time, the clinical significance of this alteration remains unclear.